The following is an entry in ClinVar:

ClinVar aggregate classification (germline): Uncertain significance. Review status: criteria provided, multiple submitters, no conflicts (2 of 4 stars). 3 submissions from 3 submitters: Uncertain significance (3). Last evaluated 2022-02-02.

Conditions:
Arrhinia with choanal atresia and microphthalmia syndrome. Also called: Arhinia, choanal atresia, and microphthalmia; ARHINIA, CHOANAL ATRESIA, MICROPHTHALMIA, AND HYPOGONADOTROPIC HYPOGONADISM; Arrhinia-choanal atresia-microphthalmia syndrome. Identifiers: Orphanet 1135, Orphanet 2250, MedGen C1863878, MONDO:0011323, OMIM 603457.
Facioscapulohumeral muscular dystrophy 2 (FSHD2). Also called: FACIOSCAPULOHUMERAL MUSCULAR DYSTROPHY 2, DIGENIC; FSHD2, DIGENIC; MUSCULAR DYSTROPHY, FACIOSCAPULOHUMERAL, TYPE 1B. Identifiers: Orphanet 269, MedGen C1834671, MONDO:0008031, OMIM 158901.

Allele frequency attached by ClinVar (database versions not stated): gnomAD exomes below 0.00001 and 0.00001; TOPMed 0.00001; ExAC 0.00002.
gnomAD v4.1: 3 of 1,595,826 alleles (0.00019%); highest among the groups gnomAD compares: Admixed American, 0.0033%; no homozygotes.

Submissions (3):

Victorian Clinical Genetics Services, Murdoch Childrens Research Institute
Classification: Uncertain significance for Arrhinia with choanal atresia and microphthalmia syndrome. Last evaluated: 2022-02-02. Review status: criteria provided, single submitter. Criteria: ACMG Guidelines, 2015. Collection method: clinical testing. Allele origin: germline. Inheritance: Autosomal dominant inheritance.
Comment: Based on the classification scheme VCGS_Germline_v1.3.4, this variant is classified as VUS-3C. Following criteria are met: 0102 - Loss of function is a known mechanism of disease in this gene and is associated with facioscapulohumeral muscular dystrophy type 2 (FSHD2, MIM#158901), while gain of function mutations have been suggested to been associated with bosma arhinia microphthalmia syndrome (BAMS, MIM#603457) (PMID: 28067911 and PMID: 31243061). (I) 0200 - Variant is predicted to result in a missense amino acid change from asparagine to serine. (I) 0251 - This variant is heterozygous. (I) 0302 - Variant is present in gnomAD (v2) <0.001 for a dominant condition (2 heterozygotes). (SP) 0309 - An alternative amino acid change at the same position has been observed in gnomAD (v2) (2 heterozygotes). (I) 0503 - Missense variant consistently predicted to be tolerated by multiple in silico tools or not conserved in placental mammals with a minor amino acid change. (SB) 0604 - Variant is not located in an established domain, motif, hotspot or informative constraint region. (I) 0705 - No comparable missense variants have previous evidence for pathogenicity. (I) 0809 - Previous evidence of pathogenicity for this variant is inconclusive. This variant was previously classified as a VUS in a FSHD2 patient (ClinVar). (I) 0905 - No published segregation evidence has been identified for this variant. (I) 1007 - No published functional evidence has been identified for this variant. (I) 1208 - Inheritance information for this variant is not currently available in this individual. (I) Legend: (SP) - Supporting pathogenic, (I) - Information, (SB) - Supporting benign

Labcorp Genetics (formerly Invitae), Labcorp
Classification: Uncertain significance for Facioscapulohumeral muscular dystrophy 2. Last evaluated: 2021-09-02. Review status: criteria provided, single submitter. Criteria: Invitae Variant Classification Sherloc (09022015). Collection method: clinical testing. Allele origin: germline.
Comment: This sequence change replaces asparagine with serine at codon 1439 of the SMCHD1 protein (p.Asn1439Ser). The asparagine residue is moderately conserved and there is a small physicochemical difference between asparagine and serine. This variant is present in population databases (rs767898877, ExAC 0.02%). This variant has not been reported in the literature in individuals affected with SMCHD1-related conditions. Algorithms developed to predict the effect of missense changes on protein structure and function are either unavailable or do not agree on the potential impact of this missense change (SIFT: "Deleterious"; PolyPhen-2: "Benign"; Align-GVGD: "Class C0"). In summary, the available evidence is currently insufficient to determine the role of this variant in disease. Therefore, it has been classified as a Variant of Uncertain Significance.

Revvity Omics, Revvity
Classification: Uncertain significance. Last evaluated: 2021-07-22. Review status: criteria provided, single submitter. Criteria: ACMG Guidelines, 2015. Collection method: clinical testing. Allele origin: germline.

Literature cited by the submitters: PubMed 28067911 (cited by Victorian Clinical Genetics Services, Murdoch Childrens Research Institute); PubMed 31243061 (cited by Victorian Clinical Genetics Services, Murdoch Childrens Research Institute).

NM_015295.3(SMCHD1):c.4316A>G (p.Asn1439Ser)

Gene: SMCHD1 (structural maintenance of chromosomes flexible hinge domain containing 1; plus strand). Cytogenetic location: 18p11.32.
Variant type: single nucleotide variant.
Coding change: c.4316A>G on transcript NM_015295.3 (MANE Select); coding-DNA position 4316, A replaced by G.
Protein change: p.Asn1439Ser; replaces asparagine 1439 with serine.
Molecular consequence: missense variant.
Genome position (GRCh38, 1-based): chr18:2,752,522, A>G. VCF-style: chr18-2752522-A-G. GRCh37 (hg19) VCF-style: chr18-2752520-A-G.
Other names: short protein forms N1439S.
Identifiers: ClinVar variation 1055874 (VCV001055874.7), dbSNP rs767898877, ClinGen allele CA8871445.